The following is an entry in ClinVar:

ClinVar aggregate classification (germline): Uncertain significance (1 of 4 stars; one submission).

Conditions:
Hereditary cancer-predisposing syndrome. Also called: Hereditary neoplastic syndrome; Neoplastic Syndromes, Hereditary; Tumor predisposition; Hereditary Cancer Syndrome. Identifiers: Orphanet 140162, MedGen C0027672, MeSH D009386, MONDO:0015356.

Submission:

Ambry Genetics
Classification: Uncertain significance for Hereditary cancer-predisposing syndrome. Last evaluated: 2025-08-27. Review status: criteria provided, single submitter. Criteria: Ambry Variant Classification Scheme 2023. Collection method: clinical testing. Allele origin: germline.
Comment: The p.G23R variant (also known as c.67G>C), located in coding exon 2 of the MUTYH gene, results from a G to C substitution at nucleotide position 67. The glycine at codon 23 is replaced by arginine, an amino acid with dissimilar properties. This amino acid position is conserved. In addition, this alteration is predicted to be tolerated by in silico analysis. Based on the available evidence, the clinical significance of this variant remains unclear.

NM_001048174.2(MUTYH):c.25G>C (p.Gly9Arg)

Gene: MUTYH (mutY DNA glycosylase; minus strand). Cytogenetic location: 1p34.1.
Variant type: single nucleotide variant.
Coding change: c.25G>C on transcript NM_001048174.2 (MANE Select); coding-DNA position 25, G replaced by C.
Protein change: p.Gly9Arg; replaces glycine 9 with arginine.
Molecular consequence: missense variant. On other transcripts: 5 prime UTR variant (7), non-coding transcript variant (7).
Genome position (GRCh38, 1-based): chr1:45,334,481, C>G on the plus strand (G>C on the coding strand, the complement: MUTYH is on the minus strand). VCF-style: chr1-45334481-C-G. GRCh37 (hg19) VCF-style: chr1-45800153-C-G.
Other names: c.25G>C, p.Gly9Arg (NM_001048171.2, NM_001048172.2, NM_001048173.2 and 15 more transcripts); c.67G>C, p.Gly23Arg (NM_001128425.2, NM_001293190.2, NM_012222.3 and 2 more transcripts); c.-188G>C (NM_001293192.2, NM_001407091.1, NM_001293196.2); c.-183G>C (NM_001407082.1, NM_001350651.2); c.43G>C, p.Gly15Arg (NM_001407087.1); c.-247G>C (NM_001350650.2); c.-132G>C (NM_001407075.1); short protein forms G23R, G9R, G15R.
Identifiers: ClinVar variation 4113789 (VCV004113789.1).
Genomic context (GRCh38, chr1:45,334,481, plus strand): 5'-TGTTCTTAGCATGCTTCTGCCTCCCTTCCTGGCTGGCTGCCTGCTTCCTGTGACCACTTC[C>G]CACGGCTGCTCGTGGCTTCCTCATGATGGCCTGAAACAAAAAGACCCAGCCAAAGCAGTC-3'
Protein context (NP_001041639.1, residues 1-19): MRKPRAAV[Gly9Arg]SGHRKQAASQ